The following is an entry in ClinVar:

ClinVar aggregate classification (germline): Uncertain significance (1 of 4 stars; one submission).

Conditions:
Bloom syndrome (BLM). Also called: Bloom-Torre-Machacek syndrome. Identifiers: Orphanet 125, MedGen C0005859, MONDO:0008876, OMIM 210900.

Submission:

Labcorp Genetics (formerly Invitae), Labcorp
Classification: Uncertain significance for Bloom syndrome. Last evaluated: 2020-11-25. Review status: criteria provided, single submitter. Criteria: Invitae Variant Classification Sherloc (09022015). Collection method: clinical testing. Allele origin: germline.
Comment: In summary, the available evidence is currently insufficient to determine the role of this variant in disease. Therefore, it has been classified as a Variant of Uncertain Significance. Algorithms developed to predict the effect of missense changes on protein structure and function are either unavailable or do not agree on the potential impact of this missense change (SIFT: "Tolerated"; PolyPhen-2: "Probably Damaging"; Align-GVGD: "Class C0"). This variant has not been reported in the literature in individuals with BLM-related conditions. This variant is not present in population databases (ExAC no frequency). This sequence change replaces serine with proline at codon 754 of the BLM protein (p.Ser754Pro). The serine residue is moderately conserved and there is a moderate physicochemical difference between serine and proline.

NM_000057.4(BLM):c.2260T>C (p.Ser754Pro)

Gene: BLM (BLM RecQ like helicase; plus strand). Cytogenetic location: 15q26.1.
Variant type: single nucleotide variant.
Coding change: c.2260T>C on transcript NM_000057.4 (MANE Select); coding-DNA position 2260, T replaced by C.
Protein change: p.Ser754Pro; replaces serine 754 with proline.
Molecular consequence: missense variant.
Genome position (GRCh38, 1-based): chr15:90,766,976, T>C. VCF-style: chr15-90766976-T-C. GRCh37 (hg19) VCF-style: chr15-91310206-T-C.
Other names: c.2260T>C, p.Ser754Pro (NM_001287246.2, NM_001287247.2); c.1135T>C, p.Ser379Pro (NM_001287248.2); short protein forms S379P, S754P.
Identifiers: ClinVar variation 1503456 (VCV001503456.8), dbSNP rs2151163946, ClinGen allele CA393844906.